The following is an entry in ClinVar:

NM_001042545.2(LTBP4):c.2812+6C>T

Gene: LTBP4 (latent transforming growth factor beta binding protein 4; plus strand). Cytogenetic location: 19q13.2.
Variant type: single nucleotide variant.
Coding change: c.2812+6C>T on transcript NM_001042545.2 (MANE Select); 6 bases into the intron after coding-DNA position 2812, C replaced by T.
Molecular consequence: intron variant.
Genome position (GRCh38, 1-based): chr19:40,614,452, C>T. VCF-style: chr19-40614452-C-T. GRCh37 (hg19) VCF-style: chr19-41120358-C-T.
Other names: NM_001042544.1:c.3013+6C>T; c.2902+6C>T (NM_003573.2); c.3013+6C>T (NM_001042544.1).
Identifiers: ClinVar variation 506381 (VCV000506381.20), dbSNP rs190107102, ClinGen allele CA9448793.

ClinVar aggregate classification (germline): Benign. Review status: criteria provided, multiple submitters, no conflicts (2 of 4 stars). 7 submissions from 7 submitters: Benign (5). 2 of the submissions do not count toward it. Last evaluated 2026-02-02.

Conditions:
Cutis laxa with severe pulmonary, gastrointestinal and urinary anomalies. Also called: LTBP4-Related Cutis Laxa; URBAN-RIFKIN-DAVIS SYNDROME; Cutis laxa, autosomal recessive, type IC. Identifiers: Orphanet 221145, MedGen C2750804, MONDO:0013170, OMIM 613177. Disease mechanism: loss of function.

Allele frequency attached by ClinVar (database versions not stated): gnomAD exomes 0.00084 and 0.00230; ExAC 0.00279; ESP Exome Variant Server 0.00631; gnomAD 0.00810 and 0.00874; TOPMed 0.00910; 1000 Genomes Project 0.00938; 1000 Genomes Project 30x 0.00968.
gnomAD v4.1: 2,489 of 1,597,028 alleles (0.16%); highest among the groups gnomAD compares: African/African-American, 2.9%; 37 homozygotes.

Submissions (7):

Labcorp Genetics (formerly Invitae), Labcorp
Classification: Benign. Last evaluated: 2026-02-02. Review status: criteria provided, single submitter. Criteria: Invitae Variant Classification Sherloc (09022015). Collection method: clinical testing. Allele origin: germline.

Illumina Laboratory Services, Illumina
Classification: Benign for Cutis laxa with severe pulmonary, gastrointestinal and urinary anomalies. Last evaluated: 2018-01-12. Review status: criteria provided, single submitter. Criteria: ICSL Variant Classification Criteria 13 December 2019. Collection method: clinical testing. Allele origin: germline.
Comment: This variant was observed in the ICSL laboratory as part of a predisposition screen in an ostensibly healthy population. It had not been previously curated by ICSL or reported in the Human Gene Mutation Database (HGMD: prior to June 1st, 2018), and was therefore a candidate for classification through an automated scoring system. Utilizing variant allele frequency, disease prevalence and penetrance estimates, and inheritance mode, an automated score was calculated to assess if this variant is too frequent to cause the disease. Based on the score and internal cut-off values, a variant classified as benign is not then subjected to further curation. The score for this variant resulted in a classification of benign for this disease.

GeneDx
Classification: Benign. Last evaluated: 2017-02-27. Review status: criteria provided, single submitter. Criteria: GeneDx Variant Classification (06012015). Collection method: clinical testing. Allele origin: germline. Affected: yes.
Comment: This variant is considered likely benign or benign based on one or more of the following criteria: it is a conservative change, it occurs at a poorly conserved position in the protein, it is predicted to be benign by multiple in silico algorithms, and/or has population frequency not consistent with disease.

Laboratory for Molecular Medicine, Mass General Brigham Personalized Medicine
Classification: Benign. Last evaluated: 2013-02-21. Review status: criteria provided, single submitter. Criteria: LMM Criteria. Collection method: clinical testing. Allele origin: germline. Observed: 1 variant allele.
Comment: 3013+6C>T in intron 22 of LTBP4: This variant is not expected to have clinical s ignificance because it has been identified in 2.0% (77/3948) of African American chromosomes from a broad population by the NHLBI Exome Sequencing Project (dbSNP rs190107102).

Breakthrough Genomics
Classification: Benign. Review status: criteria provided, single submitter. Criteria: ACMG Guidelines, 2015. Collection method: not provided. Allele origin: germline. Inheritance: Autosomal recessive inheritance. Affected: yes.

Clinical Genetics DNA and cytogenetics Diagnostics Lab, Erasmus MC, Erasmus Medical Center
Classification: Benign. Review status: no assertion criteria provided. Collection method: clinical testing. Allele origin: germline. Affected: yes. Study: VKGL Data-share Consensus. Not counted in ClinVar's aggregate classification.

Laboratory of Diagnostic Genome Analysis, Leiden University Medical Center (LUMC)
Classification: Likely benign. Review status: no assertion criteria provided. Collection method: clinical testing. Allele origin: germline. Affected: yes. Study: VKGL Data-share Consensus. Not counted in ClinVar's aggregate classification.